The following is an entry in ClinVar:

NM_017780.4(CHD7):c.*965G>A

Gene: CHD7 (chromodomain helicase DNA binding protein 7; plus strand). Cytogenetic location: 8q12.2.
Variant type: single nucleotide variant.
Coding change: c.*965G>A on transcript NM_017780.4 (MANE Select); 965 bases downstream of the stop codon, G replaced by A.
Molecular consequence: 3 prime UTR variant.
Genome position (GRCh38, 1-based): chr8:60,866,898, G>A. VCF-style: chr8-60866898-G-A. GRCh37 (hg19) VCF-style: chr8-61779457-G-A.
Other names: c.*965G>A (NM_001316690.1).
Identifiers: ClinVar variation 363500 (VCV000363500.5), dbSNP rs575515698, ClinGen allele CA10631434.

ClinVar aggregate classification (germline): Benign (1 of 4 stars; one submission).

Conditions:
Hypogonadotropic hypogonadism 5 with or without anosmia (KAL5). Also called: HYPOGONADOTROPIC HYPOGONADISM 5 WITH ANOSMIA; HYPOGONADOTROPHIC HYPOGONADISM 5 WITHOUT ANOSMIA; CHD7-Related GnRH Deficiency (Kallmann Syndrome 5). Identifiers: Orphanet 478, MedGen C3552553, MONDO:0012880, OMIM 612370. Disease mechanism: loss of function.

Allele frequency attached by ClinVar (database versions not stated): 1000 Genomes Project 0.00060; 1000 Genomes Project 30x 0.00078; gnomAD 0.00108 and 0.00110; TOPMed 0.00108.

Submission:

Illumina Laboratory Services, Illumina
Classification: Benign for Kallmann Syndrome 5. Last evaluated: 2018-01-13. Review status: criteria provided, single submitter. Criteria: ICSL Variant Classification Criteria 13 December 2019. Collection method: clinical testing. Allele origin: germline.
Comment: This variant was observed in the ICSL laboratory as part of a predisposition screen in an ostensibly healthy population. It had not been previously curated by ICSL or reported in the Human Gene Mutation Database (HGMD: prior to June 1st, 2018), and was therefore a candidate for classification through an automated scoring system. Utilizing variant allele frequency, disease prevalence and penetrance estimates, and inheritance mode, an automated score was calculated to assess if this variant is too frequent to cause the disease. Based on the score and internal cut-off values, a variant classified as benign is not then subjected to further curation. The score for this variant resulted in a classification of benign for this disease.